The following is an entry in ClinVar:

ClinVar aggregate classification (germline): Uncertain significance (1 of 4 stars; one submission).

Conditions:
Inborn genetic diseases. Identifiers: MedGen C0950123, MeSH D030342.

Allele frequency attached by ClinVar (database versions not stated): gnomAD 0.00001; TOPMed 0.00001.
gnomAD v4.1: 2 of 1,612,568 alleles (0.00012%); highest among the groups gnomAD compares: African/African-American, 0.0027%; no homozygotes.

Submission:

Ambry Genetics
Classification: Uncertain significance for Inborn genetic diseases. Last evaluated: 2023-09-06. Review status: criteria provided, single submitter. Criteria: Ambry Variant Classification Scheme 2023. Collection method: clinical testing. Allele origin: germline.
Comment: The p.P765T variant (also known as c.2293C>A), located in coding exon 10 of the ATR gene, results from a C to A substitution at nucleotide position 2293. The proline at codon 765 is replaced by threonine, an amino acid with highly similar properties. This amino acid position is conserved. In addition, the in silico prediction for this alteration is inconclusive. Since supporting evidence is limited at this time, the clinical significance of this alteration remains unclear.

NM_001184.4(ATR):c.2293C>A (p.Pro765Thr)

Gene: ATR (ATR checkpoint kinase; minus strand). Cytogenetic location: 3q23.
Variant type: single nucleotide variant.
Coding change: c.2293C>A on transcript NM_001184.4 (MANE Select); coding-DNA position 2293, C replaced by A.
Protein change: p.Pro765Thr; replaces proline 765 with threonine.
Molecular consequence: missense variant.
Genome position (GRCh38, 1-based): chr3:142,555,925, G>T on the plus strand (C>A on the coding strand, the complement: ATR is on the minus strand). VCF-style: chr3-142555925-G-T. GRCh37 (hg19) VCF-style: chr3-142274767-G-T.
Other names: c.2101C>A, p.Pro701Thr (NM_001354579.2); short protein forms P701T, P765T.
Identifiers: ClinVar variation 1789137 (VCV001789137.3), dbSNP rs1238634482, ClinGen allele CA354818499.